The following is an entry in ClinVar:

ClinVar aggregate classification (germline): Likely benign. Review status: criteria provided, multiple submitters, no conflicts (2 of 4 stars). 5 submissions from 5 submitters: Likely benign (5). Last evaluated 2026-01-25.

Conditions:
Hereditary cancer-predisposing syndrome. Also called: Tumor predisposition; Hereditary Cancer Syndrome; Neoplastic Syndromes, Hereditary; Hereditary neoplastic syndrome. Identifiers: Orphanet 140162, MedGen C0027672, MeSH D009386, MONDO:0015356.
Breast-ovarian cancer, familial, susceptibility to, 3. Also called: RAD51C-Related Breast/Ovarian Cancer. Identifiers: Orphanet 145, MedGen C3150659, MONDO:0013253, OMIM 613399.
Fanconi anemia complementation group O. Also called: RAD51C-Related Fanconi Anemia. Identifiers: Orphanet 84, MedGen C3150653, MONDO:0013248, OMIM 613390.

Allele frequency attached by ClinVar (database versions not stated): gnomAD exomes below 0.00001 and 0.00001; ExAC 0.00001; gnomAD 0.00002; TOPMed 0.00002; ESP Exome Variant Server 0.00008.
gnomAD v4.1: 10 of 1,608,910 alleles (0.00062%); highest among the groups gnomAD compares: African/African-American, 0.0027%; no homozygotes.

Submissions (5):

Labcorp Genetics (formerly Invitae), Labcorp
Classification: Likely benign for Fanconi anemia complementation group O. Last evaluated: 2026-01-25. Review status: criteria provided, single submitter. Criteria: Invitae Variant Classification Sherloc (09022015). Collection method: clinical testing. Allele origin: germline.

Myriad Genetics, Inc.
Classification: Likely benign for Breast-ovarian cancer, familial, susceptibility to, 3. Last evaluated: 2025-02-18. Review status: criteria provided, single submitter. Criteria: Myriad Autosomal Dominant, Autosomal Recessive and X-Linked Classification Criteria (2023). Collection method: clinical testing. Allele origin: unknown.
Comment: This variant is considered likely benign. This variant is intronic and is not expected to impact mRNA splicing.

Women's Health and Genetics/Laboratory Corporation of America, LabCorp
Classification: Likely benign. Last evaluated: 2025-01-09. Review status: criteria provided, single submitter. Criteria: LabCorp Variant Classification Summary - May 2015. Collection method: clinical testing. Allele origin: germline.
Comment: Variant summary: RAD51C c.705+10A>G alters a nucleotide located at a position not widely known to affect splicing. Consensus agreement among computation tools predict no significant impact on normal splicing. However, these predictions have yet to be confirmed by functional studies. The variant allele was found at a frequency of 4e-06 in 250818 control chromosomes. The available data on variant occurrences in the general population are insufficient to allow any conclusion about variant significance. To our knowledge, no occurrence of c.705+10A>G in individuals affected with Hereditary Breast And Ovarian Cancer Syndrome and no experimental evidence demonstrating its impact on protein function have been reported. ClinVar contains an entry for this variant (Variation ID: 215958). Based on the evidence outlined above, the variant was classified as likely benign.

GeneDx
Classification: Likely benign. Last evaluated: 2017-09-26. Review status: criteria provided, single submitter. Criteria: GeneDx Variant Classification (06012015). Collection method: clinical testing. Allele origin: germline. Affected: yes.
Comment: This variant is considered likely benign or benign based on one or more of the following criteria: it is a conservative change, it occurs at a poorly conserved position in the protein, it is predicted to be benign by multiple in silico algorithms, and/or has population frequency not consistent with disease.

Color Diagnostics, LLC DBA Color Health
Classification: Likely benign for Hereditary cancer-predisposing syndrome. Last evaluated: 2016-04-27. Review status: criteria provided, single submitter. Criteria: ACMG Guidelines, 2015. Collection method: clinical testing. Allele origin: germline.

NM_058216.3(RAD51C):c.705+10A>G

Genes: RAD51C (RAD51 paralog C; plus strand), LOC129390903 (MPRA-validated peak2919 silencer; plus strand). Cytogenetic location: 17q22.
Variant type: single nucleotide variant.
Coding change: c.705+10A>G on transcript NM_058216.3 (MANE Select); 10 bases into the intron after coding-DNA position 705, A replaced by G.
Molecular consequence: intron variant.
Genome position (GRCh38, 1-based): chr17:58,703,339, A>G. VCF-style: chr17-58703339-A-G. GRCh37 (hg19) VCF-style: chr17-56780700-A-G.
Other names: c.705+10A>G (LRG_314t1).
Identifiers: ClinVar variation 215958 (VCV000215958.19), dbSNP rs377586976, ClinGen allele CA337115.